The following is an entry in ClinVar:

NM_000321.3(RB1):c.1498+2T>C

Gene: RB1 (RB transcriptional corepressor 1; plus strand). Cytogenetic location: 13q14.2.
Variant type: single nucleotide variant.
Coding change: c.1498+2T>C on transcript NM_000321.3 (MANE Select); the canonical splice donor site of the intron after coding-DNA position 1498, T replaced by C.
Molecular consequence: splice donor variant.
Genome position (GRCh38, 1-based): chr13:48,380,243, T>C. VCF-style: chr13-48380243-T-C. GRCh37 (hg19) VCF-style: chr13-48954379-T-C.
Other names: c.1498+2T>C (NM_001407165.1, NM_001407166.1).
Identifiers: ClinVar variation 1773915 (VCV001773915.3), dbSNP rs1948523741, ClinGen allele CA388162931.

ClinVar aggregate classification (germline): Pathogenic (1 of 4 stars; one submission).
ClinVar aggregate classification (oncogenicity): Likely oncogenic (1 of 4 stars; one submission).

Conditions:
Hereditary cancer-predisposing syndrome. Also called: Hereditary Cancer Syndrome; Hereditary neoplastic syndrome; Neoplastic Syndromes, Hereditary; Tumor predisposition. Identifiers: Orphanet 140162, MedGen C0027672, MeSH D009386, MONDO:0015356.
Neoplasm. Also called: tumor; Neoplasms; Neoplasm (disease). Identifiers: MedGen C0027651, MeSH D009369, MONDO:0005070, HP:0002664.

Submissions (2):

Center for Genomic Medicine, Rigshospitalet, Copenhagen University Hospital
Classification: Likely oncogenic for Neoplasm. Last evaluated: 2025-12-29. Review status: criteria provided, single submitter. Criteria: ClinGen/CGC/VICC Guidelines for Oncogenicity, 2022. Collection method: clinical testing. Allele origin: somatic. Affected: yes.

Ambry Genetics
Classification: Pathogenic for Hereditary cancer-predisposing syndrome. Last evaluated: 2022-06-30. Review status: criteria provided, single submitter. Criteria: Ambry Variant Classification Scheme 2023. Collection method: clinical testing. Allele origin: germline.
Comment: The c.1498+2T>C intronic pathogenic mutation results from a T to C substitution two nucleotides after coding exon 16 in the RB1 gene. This alteration has been reported in an individual affected with bilateral retinoblastoma (Zhang Q et al. Yan Ke Xue Bao, 1997 Mar;13:5-11). This variant is considered to be rare based on population cohorts in the Genome Aggregation Database (gnomAD). In silico splice site analysis predicts that this alteration will weaken the native splice donor site. In addition to the clinical data presented in the literature, alterations that disrupt the canonical splice site are expected to cause aberrant splicing, resulting in an abnormal protein or a transcript that is subject to nonsense-mediated mRNA decay. As such, this alteration is classified as a disease-causing mutation.

Literature cited by the submitters: PubMed 11189328 (cited by Ambry Genetics).